The following is an entry in ClinVar:

NM_001009944.3(PKD1):c.776G>A (p.Cys259Tyr)

Gene: PKD1 (polycystin 1, transient receptor potential channel interacting; minus strand). Cytogenetic location: 16p13.3.
Variant type: single nucleotide variant.
Coding change: c.776G>A on transcript NM_001009944.3 (MANE Select); coding-DNA position 776, G replaced by A.
Protein change: p.Cys259Tyr; replaces cysteine 259 with tyrosine.
Molecular consequence: missense variant.
Genome position (GRCh38, 1-based): chr16:2,118,216, C>T on the plus strand (G>A on the coding strand, the complement: PKD1 is on the minus strand). VCF-style: chr16-2118216-C-T. GRCh37 (hg19) VCF-style: chr16-2168217-C-T.
Other names: c.776G>A, p.Cys259Tyr (NM_000296.4); short protein forms C259Y.
Identifiers: ClinVar variation 448009 (VCV000448009.11), dbSNP rs529066905, ClinGen allele CA7833665.

ClinVar aggregate classification (germline): Uncertain significance. Review status: criteria provided, multiple submitters, no conflicts (2 of 4 stars). 6 submissions from 6 submitters: Uncertain significance (6). Last evaluated 2025-09-24.

Conditions:
PKD1-related disorder. Also called: PKD1-related condition.
Polycystic kidney disease, adult type (PKD1). Also called: POLYCYSTIC KIDNEY DISEASE, ADULT, TYPE I; Polycystic Kidney Disease 1, Autosomal Dominant; Polycystic kidney disease 1; Polycystic kidney disease 1, severe; Polycystic Kidney, Autosomal Dominant; POLYCYSTIC KIDNEY DISEASE 1 WITH OR WITHOUT POLYCYSTIC LIVER DISEASE. Identifiers: MedGen C3149841, MONDO:0008263, OMIM 173900.

Allele frequency attached by ClinVar (database versions not stated): ExAC 0.00022; gnomAD 0.00024; gnomAD exomes 0.00027 and 0.00015; 1000 Genomes Project 30x 0.00031; TOPMed 0.00018; 1000 Genomes Project 0.00020.
gnomAD v4.1: 401 of 1,533,570 alleles (0.026%); highest among the groups gnomAD compares: Non-Finnish European, 0.033%; no homozygotes.

Submissions (6):

PreventionGenetics, part of Exact Sciences
Classification: Uncertain significance for PKD1-related condition. Last evaluated: 2025-09-24. Review status: criteria provided, single submitter. Criteria: ACMG Guidelines, 2015. Collection method: clinical testing. Allele origin: germline.
Comment: The PKD1 c.776G>A variant is predicted to result in the amino acid substitution p.Cys259Tyr. This variant was reported in an individual with polycystic kidney disease (Rossetti et al. 2007. PubMed ID: 17582161). This variant is reported in 0.033% of alleles in individuals of European (Non-Finnish) descent in gnomAD. Although we suspect that this variant may be benign due to its relatively high minor allele frequency in the general population, at this time, the clinical significance of this variant is uncertain due to the absence of conclusive functional and genetic evidence.

Women's Health and Genetics/Laboratory Corporation of America, LabCorp
Classification: Uncertain significance. Last evaluated: 2024-11-05. Review status: criteria provided, single submitter. Criteria: LabCorp Variant Classification Summary - May 2015. Collection method: clinical testing. Allele origin: germline.
Comment: Variant summary: PKD1 c.776G>A (p.Cys259Tyr) results in a non-conservative amino acid change located in the WSC domain profile (IPR002889) of the encoded protein sequence. Four of five in-silico tools predict a damaging effect of the variant on protein function. The variant allele was found at a frequency of 0.00015 in 138576 control chromosomes. This frequency is not significantly higher than estimated for a pathogenic variant in PKD1 causing Polycystic Kidney Disease 1 (0.00015 vs 0.0005), allowing no conclusion about variant significance. c.776G>A has been reported in the literature in individuals affected with Polycystic Kidney Disease 1 (Rossetti_2007, Izzi_2022, Mansilla_2021). These data indicate that the variant may be associated with disease. Co-occurrences with other pathogenic variant(s) have been reported (Yu_2022, PKD1 c.4369_4370delTC, p.Ala1458fsX64), providing supporting evidence for a benign role. To our knowledge, no experimental evidence demonstrating an impact on protein function has been reported. The available evidence is currently insufficient to determine the role of this variant in disease. The following publications have been ascertained in the context of this evaluation (PMID: 35497784, 31738409, 17582161, 35778421). ClinVar contains an entry for this variant (Variation ID: 448009). Based on the evidence outlined above, the variant was classified as uncertain significance.

Genetic Services Laboratory, University of Chicago
Classification: Uncertain significance. Last evaluated: 2023-05-02. Review status: criteria provided, single submitter. Criteria: ACMG Guidelines, 2015. Collection method: clinical testing. Allele origin: germline. Affected: no.
Comment: DNA sequence analysis of the PKD1 gene demonstrated a sequence change, c.776G>A, in exon 5 that results in an amino acid change, p.Cys259Tyr. This sequence change has been described in the gnomAD database with a frequency of 0.033% in the non-Finnish European subpopulation (dbSNP rs529066905). The p.Cys259Tyr change affects a moderately conserved amino acid residue located in a domain of the PKD1 protein that is known to be functional. In-silico pathogenicity prediction tools (SIFT, PolyPhen2, Align GVGD, REVEL) provide contradictory results for the p.Cys259Tyr substitution. This sequence change has been previously described in an individual with polycystic kidney disease (PMID: 17582161). Due to insufficient evidences and the lack of functional studies, the clinical significance of the p.Cys259Tyr change remains unknown at this time.

GeneDx
Classification: Uncertain significance. Last evaluated: 2022-02-21. Review status: criteria provided, single submitter. Criteria: GeneDx Variant Classification Process June 2021. Collection method: clinical testing. Allele origin: germline. Affected: yes.
Comment: In silico analysis supports that this missense variant does not alter protein structure/function; This variant is associated with the following publications: (PMID: 17582161, 33502802, Izzi2022[paper], 31738409)

Athena Diagnostics
Classification: Uncertain significance. Last evaluated: 2021-08-17. Review status: criteria provided, single submitter. Criteria: Athena Diagnostics Criteria. Collection method: clinical testing. Allele origin: unknown.

Department of Pathology and Laboratory Medicine, Sinai Health System
Classification: Uncertain significance for Polycystic kidney disease, adult type. Last evaluated: 2019-12-06. Review status: criteria provided, single submitter. Criteria: ACMG Guidelines, 2015. Collection method: clinical testing. Allele origin: germline. Affected: yes.

Literature cited by the submitters: PubMed 31738409 (cited by Women's Health and Genetics/Laboratory Corporation of America, LabCorp); PubMed 35778421 (cited by Women's Health and Genetics/Laboratory Corporation of America, LabCorp); PubMed 17582161 (cited by 3 submitters); PubMed 35497784 (cited by Women's Health and Genetics/Laboratory Corporation of America, LabCorp); PubMed 31598726 (cited by Athena Diagnostics).